The following is an entry in ClinVar:

ClinVar aggregate classification (germline): Uncertain significance. Review status: criteria provided, multiple submitters, no conflicts (2 of 4 stars). 2 submissions from 2 submitters: Uncertain significance (2). Last evaluated 2024-08-19.

Conditions:
Hereditary cancer-predisposing syndrome. Also called: Hereditary neoplastic syndrome; Neoplastic Syndromes, Hereditary; Tumor predisposition; Hereditary Cancer Syndrome. Identifiers: Orphanet 140162, MedGen C0027672, MeSH D009386, MONDO:0015356.
Familial melanoma. Also called: Hereditary melanoma; Hereditary cutaneous melanoma. Identifiers: Orphanet 618, MedGen C1512419, MONDO:0018961.

gnomAD v4.1: 3 of 1,614,090 alleles (0.00019%); highest among the groups gnomAD compares: East Asian, 0.0045%; no homozygotes.

Submissions (2):

Ambry Genetics
Classification: Uncertain significance for Hereditary cancer-predisposing syndrome. Last evaluated: 2024-08-19. Review status: criteria provided, single submitter. Criteria: Ambry Variant Classification Scheme 2023. Collection method: clinical testing. Allele origin: germline.
Comment: The p.R82G variant (also known as c.244C>G), located in coding exon 2 of the CDK4 gene, results from a C to G substitution at nucleotide position 244. The arginine at codon 82 is replaced by glycine, an amino acid with dissimilar properties. This amino acid position is well conserved in available vertebrate species. In addition, the in silico prediction for this alteration is inconclusive. Based on the available evidence, the clinical significance of this variant remains unclear.

Labcorp Genetics (formerly Invitae), Labcorp
Classification: Uncertain significance for Familial melanoma. Last evaluated: 2021-12-23. Review status: criteria provided, single submitter. Criteria: Invitae Variant Classification Sherloc (09022015). Collection method: clinical testing. Allele origin: germline.
Comment: Advanced modeling of protein sequence and biophysical properties (such as structural, functional, and spatial information, amino acid conservation, physicochemical variation, residue mobility, and thermodynamic stability) performed at Invitae indicates that this missense variant is not expected to disrupt CDK4 protein function. ClinVar contains an entry for this variant (Variation ID: 1006343). This variant has not been reported in the literature in individuals affected with CDK4-related conditions. This variant is not present in population databases (gnomAD no frequency). This sequence change replaces arginine, which is basic and polar, with glycine, which is neutral and non-polar, at codon 82 of the CDK4 protein (p.Arg82Gly). In summary, the available evidence is currently insufficient to determine the role of this variant in disease. Therefore, it has been classified as a Variant of Uncertain Significance.

NM_000075.4(CDK4):c.244C>G (p.Arg82Gly)

Gene: CDK4 (cyclin dependent kinase 4; minus strand). Cytogenetic location: 12q14.1.
Variant type: single nucleotide variant.
Coding change: c.244C>G on transcript NM_000075.4 (MANE Select); coding-DNA position 244, C replaced by G.
Protein change: p.Arg82Gly; replaces arginine 82 with glycine.
Molecular consequence: missense variant.
Genome position (GRCh38, 1-based): chr12:57,751,317, G>C on the plus strand (C>G on the coding strand, the complement: CDK4 is on the minus strand). VCF-style: chr12-57751317-G-C. GRCh37 (hg19) VCF-style: chr12-58145100-G-C.
Other names: short protein forms R82G.
Identifiers: ClinVar variation 1006343 (VCV001006343.12), dbSNP rs1398120196, ClinGen allele CA385548236.